The following is an entry in ClinVar:

NM_198904.4(GABRG2):c.890A>C (p.Asn297Thr)

Gene: GABRG2 (gamma-aminobutyric acid type A receptor subunit gamma2; plus strand). Cytogenetic location: 5q34.
Variant type: single nucleotide variant.
Coding change: c.890A>C on transcript NM_198904.4 (MANE Select); coding-DNA position 890, A replaced by C.
Protein change: p.Asn297Thr; replaces asparagine 297 with threonine.
Molecular consequence: missense variant.
Genome position (GRCh38, 1-based): chr5:162,142,284, A>C. VCF-style: chr5-162142284-A-C. GRCh37 (hg19) VCF-style: chr5-161569290-A-C.
Other names: c.890A>C, p.Asn297Thr (NM_000816.3, NM_001375340.1); c.881A>C, p.Asn294Thr (NM_001375339.1); c.887A>C, p.Asn296Thr (NM_001375341.1, NM_001375342.1); c.1010A>C, p.Asn337Thr (NM_001375343.1, NM_198903.2); c.929A>C, p.Asn310Thr (NM_001375344.1); c.824A>C, p.Asn275Thr (NM_001375345.1, NM_001375346.1); c.803A>C, p.Asn268Thr (NM_001375347.1); c.470A>C, p.Asn157Thr (NM_001375348.1, NM_001375350.1); and 1 more; short protein forms N157T, N202T, N268T, N275T, N294T, N296T, N297T, N310T.
Identifiers: ClinVar variation 4539878 (VCV004539878.1).

ClinVar aggregate classification (germline): Uncertain significance (1 of 4 stars; one submission).

Submission:

GeneDx
Classification: Uncertain significance. Last evaluated: 2025-06-29. Review status: criteria provided, single submitter. Criteria: GeneDx Variant Classification Process June 2021. Collection method: clinical testing. Allele origin: germline. Affected: yes.
Comment: Not observed at significant frequency in large population cohorts (gnomAD); In silico analysis supports that this missense variant has a deleterious effect on protein structure/function; Has not been previously published as pathogenic or benign to our knowledge